The following is an entry in ClinVar:

NM_000271.5(NPC1):c.1268A>G (p.Tyr423Cys)

Gene: NPC1 (NPC intracellular cholesterol transporter 1; minus strand). Cytogenetic location: 18q11.2.
Variant type: single nucleotide variant.
Coding change: c.1268A>G on transcript NM_000271.5 (MANE Select); coding-DNA position 1268, A replaced by G.
Protein change: p.Tyr423Cys; replaces tyrosine 423 with cysteine.
Molecular consequence: missense variant.
Genome position (GRCh38, 1-based): chr18:23,556,301, T>C on the plus strand (A>G on the coding strand, the complement: NPC1 is on the minus strand). VCF-style: chr18-23556301-T-C. GRCh37 (hg19) VCF-style: chr18-21136265-T-C.
Other names: short protein forms Y423C.
Identifiers: ClinVar variation 2001942 (VCV002001942.4), dbSNP rs904005729, ClinGen allele CA297069405.

ClinVar aggregate classification (germline): Uncertain significance (1 of 4 stars; one submission).

Conditions:
Niemann-Pick disease, type C1. Also called: NIEMANN-PICK DISEASE, VARIANT TYPE C1; NEUROVISCERAL STORAGE DISEASE WITH VERTICAL SUPRANUCLEAR OPHTHALMOPLEGIA; NIEMANN-PICK DISEASE WITH CHOLESTEROL ESTERIFICATION BLOCK; NIEMANN-PICK DISEASE WITHOUT SPHINGOMYELINASE DEFICIENCY; NIEMANN-PICK DISEASE, CHRONIC NEURONOPATHIC FORM. Identifiers: Orphanet 646, MedGen C3179455, MONDO:0009757, OMIM 257220.

Allele frequency attached by ClinVar (database versions not stated): gnomAD exomes below 0.00001; gnomAD 0.00001; TOPMed 0.00001.
gnomAD v4.1: 4 of 1,613,726 alleles (0.00025%); highest among the groups gnomAD compares: Non-Finnish European, 0.00034%; no homozygotes.

Submission:

Labcorp Genetics (formerly Invitae), Labcorp
Classification: Uncertain significance for Niemann-Pick disease, type C1. Last evaluated: 2022-06-02. Review status: criteria provided, single submitter. Criteria: Invitae Variant Classification Sherloc (09022015). Collection method: clinical testing. Allele origin: germline.
Comment: This variant is present in population databases (no rsID available, gnomAD 0.0009%). This variant has not been reported in the literature in individuals affected with NPC1-related conditions. This sequence change replaces tyrosine, which is neutral and polar, with cysteine, which is neutral and slightly polar, at codon 423 of the NPC1 protein (p.Tyr423Cys). In summary, the available evidence is currently insufficient to determine the role of this variant in disease. Therefore, it has been classified as a Variant of Uncertain Significance. Advanced modeling of protein sequence and biophysical properties (such as structural, functional, and spatial information, amino acid conservation, physicochemical variation, residue mobility, and thermodynamic stability) performed at Invitae indicates that this missense variant is expected to disrupt NPC1 protein function.